The following is an entry in ClinVar:

NM_001035.3(RYR2):c.6613C>G (p.Arg2205Gly)

Gene: RYR2 (ryanodine receptor 2; plus strand). Cytogenetic location: 1q43.
Variant type: single nucleotide variant.
Coding change: c.6613C>G on transcript NM_001035.3 (MANE Select); coding-DNA position 6613, C replaced by G.
Protein change: p.Arg2205Gly; replaces arginine 2205 with glycine.
Molecular consequence: missense variant.
Genome position (GRCh38, 1-based): chr1:237,633,635, C>G. VCF-style: chr1-237633635-C-G. GRCh37 (hg19) VCF-style: chr1-237796935-C-G.
Other names: short protein forms R2205G.
Identifiers: ClinVar variation 1040660 (VCV001040660.10), dbSNP rs1558103888, ClinGen allele CA345394113.

ClinVar aggregate classification (germline): Uncertain significance (1 of 4 stars; one submission).

Conditions:
Catecholaminergic polymorphic ventricular tachycardia 1. Also called: VENTRICULAR TACHYCARDIA, CATECHOLAMINERGIC POLYMORPHIC, 1, WITH OR WITHOUT ATRIAL DYSFUNCTION AND/OR DILATED CARDIOMYOPATHY; VENTRICULAR TACHYCARDIA, STRESS-INDUCED POLYMORPHIC 1; RYR2-Related Catecholaminergic Polymorphic Ventricular Tachycardia. Identifiers: Orphanet 3286, MedGen C1631597, MONDO:0011484, OMIM 604772.

Submission:

Labcorp Genetics (formerly Invitae), Labcorp
Classification: Uncertain significance for Catecholaminergic polymorphic ventricular tachycardia 1. Last evaluated: 2024-08-21. Review status: criteria provided, single submitter. Criteria: Invitae Variant Classification Sherloc (09022015). Collection method: clinical testing. Allele origin: germline.
Comment: This sequence change replaces arginine, which is basic and polar, with glycine, which is neutral and non-polar, at codon 2205 of the RYR2 protein (p.Arg2205Gly). This variant is not present in population databases (gnomAD no frequency). This variant has not been reported in the literature in individuals affected with RYR2-related conditions. ClinVar contains an entry for this variant (Variation ID: 1040660). Invitae Evidence Modeling of protein sequence and biophysical properties (such as structural, functional, and spatial information, amino acid conservation, physicochemical variation, residue mobility, and thermodynamic stability) indicates that this missense variant is expected to disrupt RYR2 protein function with a positive predictive value of 95%. In summary, the available evidence is currently insufficient to determine the role of this variant in disease. Therefore, it has been classified as a Variant of Uncertain Significance.